The following is an entry in ClinVar:

ClinVar aggregate classification (germline): Conflicting classifications of pathogenicity. Review status: criteria provided, conflicting classifications (1 of 4 stars). 4 submissions from 4 submitters: Uncertain significance (2); Benign (1); Likely benign (1). Last evaluated 2025-11-13.

Conditions:
Hereditary cancer-predisposing syndrome. Also called: Neoplastic Syndromes, Hereditary; Hereditary Cancer Syndrome; Hereditary neoplastic syndrome; Tumor predisposition. Identifiers: Orphanet 140162, MedGen C0027672, MeSH D009386, MONDO:0015356.
Familial cancer of breast. Also called: BREAST CANCER, FAMILIAL; Hereditary breast cancer; hereditary breast carcinoma. Identifiers: Orphanet 227535, MedGen C0346153, MONDO:0016419, OMIM 114480. Disease mechanism: loss of function.

Submissions (4):

Labcorp Genetics (formerly Invitae), Labcorp
Classification: Likely benign for Familial cancer of breast. Last evaluated: 2025-11-13. Review status: criteria provided, single submitter. Criteria: Invitae Variant Classification Sherloc (09022015). Collection method: clinical testing. Allele origin: germline.

Myriad Genetics, Inc.
Classification: Benign for Familial cancer of breast. Last evaluated: 2025-01-13. Review status: criteria provided, single submitter. Criteria: Myriad Autosomal Dominant, Autosomal Recessive and X-Linked Classification Criteria (2023). Collection method: clinical testing. Allele origin: unknown.
Comment: This variant is considered benign. This variant is a silent/synonymous amino acid change and it is not expected to impact splicing.

Ambry Genetics
Classification: Uncertain significance for Hereditary cancer-predisposing syndrome. Last evaluated: 2024-11-09. Review status: criteria provided, single submitter. Criteria: Ambry Variant Classification Scheme 2023. Collection method: clinical testing. Allele origin: germline.
Comment: The c.1458A>G variant (also known as p.K486K), located in coding exon 4 of the PALB2 gene, results from an A to G substitution at nucleotide position 1458. This nucleotide substitution does not change the amino acid at codon 486. This nucleotide position is not well conserved in available vertebrate species. In silico splice site analysis for this alteration is inconclusive and direct evidence is insufficient at this time (Ambry internal data). Based on the available evidence, the clinical significance of this variant remains unclear.

Quest Diagnostics Nichols Institute San Juan Capistrano
Classification: Uncertain significance. Last evaluated: 2018-12-05. Review status: criteria provided, single submitter. Criteria: Quest Diagnostics criteria. Collection method: clinical testing. Allele origin: germline.

NM_024675.4(PALB2):c.1458A>G (p.Lys486=)

Gene: PALB2 (partner and localizer of BRCA2; minus strand). Cytogenetic location: 16p12.2.
Variant type: single nucleotide variant.
Coding change: c.1458A>G on transcript NM_024675.4 (MANE Select); coding-DNA position 1458, A replaced by G.
Protein change: p.Lys486=; no amino-acid change (lysine 486 retained).
Molecular consequence: synonymous variant.
Genome position (GRCh38, 1-based): chr16:23,635,088, T>C on the plus strand (A>G on the coding strand, the complement: PALB2 is on the minus strand). VCF-style: chr16-23635088-T-C. GRCh37 (hg19) VCF-style: chr16-23646409-T-C.
Identifiers: ClinVar variation 460895 (VCV000460895.13), dbSNP rs1555461270, ClinGen allele CA494461445.